The following is an entry in ClinVar:

NM_015378.4(VPS13D):c.6822+5G>C

Gene: VPS13D (vacuolar protein sorting 13 homolog D; plus strand). Cytogenetic location: 1p36.22.
Variant type: single nucleotide variant.
Coding change: c.6822+5G>C on transcript NM_015378.4 (MANE Select); 5 bases into the intron after coding-DNA position 6822, G replaced by C.
Molecular consequence: intron variant.
Genome position (GRCh38, 1-based): chr1:12,311,630, G>C. VCF-style: chr1-12311630-G-C. GRCh37 (hg19) VCF-style: chr1-12371687-G-C.
Other names: c.6822+5G>C (NM_018156.4).
Identifiers: ClinVar variation 2266418 (VCV002266418.2), dbSNP rs1168320205, ClinGen allele CA886931206.

ClinVar aggregate classification (germline): Uncertain significance (1 of 4 stars; one submission).

Conditions:
Inborn genetic diseases. Identifiers: MedGen C0950123, MeSH D030342.

Allele frequency attached by ClinVar (database versions not stated): TOPMed below 0.00001.

Submission:

Ambry Genetics
Classification: Uncertain significance for Inborn genetic diseases. Last evaluated: 2022-01-31. Review status: criteria provided, single submitter. Criteria: Ambry Variant Classification Scheme 2023. Collection method: clinical testing. Allele origin: germline.
Comment: The c.6822+5G>C intronic alteration consists of a G to C substitution 5 nucleotides after exon 28 (coding exon 27) of the VPS13D gene. Based on insufficient or conflicting evidence, the clinical significance of this alteration remains unclear.